The following continues an entry in ClinVar:

NM_025137.4(SPG11):c.3075dup (p.Glu1026fs)

Gene: SPG11. ClinVar aggregate classification (germline): Pathogenic. Pathogenic (18).

Submissions 13 to 22 of 22:

Institute for Clinical Genetics, University Hospital TU Dresden, University Hospital TU Dresden
Classification: Pathogenic. Last evaluated: 2021-11-03. Review status: criteria provided, single submitter. Criteria: ACMG Guidelines, 2015. Collection method: clinical testing. Allele origin: germline.

Blueprint Genetics
Classification: Pathogenic for SPG11-related disorders. Last evaluated: 2019-09-27. Review status: criteria provided, single submitter. Criteria: ACMG Guidelines, 2015. Collection method: clinical testing. Allele origin: germline. Affected: yes. Observed: 1 variant allele.

Genomic Research Center, Shahid Beheshti University of Medical Sciences
Classification: Pathogenic for Hereditary spastic paraplegia 11. Last evaluated: 2018-03-05. Review status: criteria provided, single submitter. Criteria: ACMG Guidelines, 2015. Collection method: clinical testing. Allele origin: inherited. Affected: yes. Observed: 2 variant alleles.

Genome-Nilou Lab
Classification: Pathogenic for Amyotrophic lateral sclerosis type 5. Review status: criteria provided, single submitter. Criteria: ACMG Guidelines, 2015. Collection method: clinical testing. Allele origin: germline.

Genome-Nilou Lab
Classification: Pathogenic for Hereditary spastic paraplegia 11. Review status: criteria provided, single submitter. Criteria: ACMG Guidelines, 2015. Collection method: clinical testing. Allele origin: germline.

Paris Brain Institute, Inserm - ICM
Classification: Pathogenic for Hereditary spastic paraplegia 11. Review status: criteria provided, single submitter. Criteria: ACMG Guidelines, 2015. Collection method: clinical testing. Allele origin: unknown. Affected: yes. Observed: 1 variant allele.

PreventionGenetics, part of Exact Sciences
Classification: Pathogenic for SPG11-related condition. Last evaluated: 2024-03-05. Review status: no assertion criteria provided. Collection method: clinical testing. Allele origin: germline. Not counted in ClinVar's aggregate classification.
Comment: The SPG11 c.3075dupA variant is predicted to result in a frameshift and premature protein termination (p.Glu1026Argfs*4). This variant has been reported in the homozygous or compound heterozygous state in individuals with hereditary spastic paraplegia (see for example, Balicza et al. 2016. PubMed ID: 27084228; Khani et al. 2020. PubMed ID: 32383541; Schneider-Gold et al. 2017. PubMed ID: 28991695). This variant is reported in 0.014% of alleles in individuals of European (Finnish) descent in gnomAD. Frameshift variants in SPG11 are expected to be pathogenic. This variant is interpreted as pathogenic.

OMIM
Classification: Pathogenic for SPASTIC PARAPLEGIA 11, AUTOSOMAL RECESSIVE. Last evaluated: 2009-10-05. Review status: no assertion criteria provided. Collection method: literature only. Allele origin: germline. Not counted in ClinVar's aggregate classification.

GeneReviews
No classification provided. Condition: Hereditary spastic paraplegia 11. Review status: no classification provided. Collection method: literature only. Allele origin: unknown. Not counted in ClinVar's aggregate classification.

Next Generation Genetic Polyclinic
Classification: Pathogenic for Charcot-Marie-Tooth disease axonal type 2X. Review status: no assertion criteria provided. Collection method: clinical testing. Allele origin: inherited. Affected: yes. Not counted in ClinVar's aggregate classification.

Literature cited by the submitters: PubMed 19105190 (cited by 3 submitters); PubMed 20110243 (cited by Labcorp Genetics (formerly Invitae), Labcorp and Mayo Clinic Laboratories, Mayo Clinic); PubMed 22154821 (cited by Labcorp Genetics (formerly Invitae), Labcorp); PubMed 26556829 (cited by Labcorp Genetics (formerly Invitae), Labcorp); PubMed 18067136 (cited by 3 submitters); PubMed 19194956 (cited by 3 submitters); PubMed 27071356 (cited by Labcorp Genetics (formerly Invitae), Labcorp and Mayo Clinic Laboratories, Mayo Clinic); PubMed 27084228 (cited by Labcorp Genetics (formerly Invitae), Labcorp and Mayo Clinic Laboratories, Mayo Clinic); PubMed 28991695 (cited by Labcorp Genetics (formerly Invitae), Labcorp and Mayo Clinic Laboratories, Mayo Clinic); PubMed 37712079 (cited by Clinical Omics and Informatics (COIN) Unit, Neuroscience Institute, University Of Cape Town); DOI 10.1007/s10072-022-05921-3 (cited by Genetic Foundation of Khorasan Razavi (GFKR)); PubMed 20301389 (cited by Mayo Clinic Laboratories, Mayo Clinic and GeneReviews); NCBI Bookshelf NBK1210 (cited by GeneReviews).